The following is an entry in ClinVar:

ClinVar aggregate classification (germline): Conflicting classifications of pathogenicity. Review status: criteria provided, conflicting classifications (1 of 4 stars). 10 submissions from 8 submitters: Uncertain significance (1); Likely benign (8). 1 of the submissions does not count toward it. Last evaluated 2026-01-14.

Conditions:
RYR1-related disorder. Also called: RYR1-related condition; RYR1-related disorders. Identifiers: MedGen CN239331.
Congenital multicore myopathy with external ophthalmoplegia (CMYO1B). Also called: Minicore myopathy with external ophthalmoplegia; MULTIMINICORE DISEASE WITH EXTERNAL OPHTHALMOPLEGIA; Congenital myopathy 1B, autosomal recessive; Minicore myopathy; MULTICORE MYOPATHY. Identifiers: Orphanet 598, Orphanet 98905, MedGen C1850674, MONDO:0009712, OMIM 255320, HP:0003789.
Central core myopathy (CMYO1A). Also called: CONGENITAL MYOPATHY 1A, AUTOSOMAL DOMINANT, WITH SUSCEPTIBILITY TO MALIGNANT HYPERTHERMIA; Central core disease; Myopathy, central fibrillar. Identifiers: Orphanet 597, MedGen C5830701, MONDO:0007294, OMIM 117000.
Malignant hyperthermia, susceptibility to, 1 (MHS1). Also called: Malignant hyperthermia suceptibility 1; RYR1-Related Malignant Hyperthermia Susceptibility; Anesthesia related hyperthermia; Malignant hyperpyrexia; Fulminating hyperpyrexia; Pharmacogenic myopathy. Identifiers: Orphanet 423, MedGen C2930980, MONDO:0007783, OMIM 145600.

Allele frequency attached by ClinVar (database versions not stated): gnomAD exomes 0.00006 and 0.00020; ExAC 0.00018; ESP Exome Variant Server 0.00038; 1000 Genomes Project 0.00060; gnomAD 0.00070 and 0.00074; TOPMed 0.00076; 1000 Genomes Project 30x 0.00078.
gnomAD v4.1: 201 of 1,613,398 alleles (0.012%); highest among the groups gnomAD compares: African/African-American, 0.23%; 1 homozygote.

Submissions (10):

Labcorp Genetics (formerly Invitae), Labcorp
Classification: Likely benign for RYR1-related disorder. Last evaluated: 2026-01-14. Review status: criteria provided, single submitter. Criteria: Invitae Variant Classification Sherloc (09022015). Collection method: clinical testing. Allele origin: germline.

CeGaT Center for Human Genetics Tuebingen
Classification: Likely benign. Last evaluated: 2025-04-01. Review status: criteria provided, single submitter. Criteria: CeGaT Center For Human Genetics Tuebingen Variant Classification Criteria Version 2. Collection method: clinical testing. Allele origin: germline. Affected: yes. Observed: 2 variant alleles.
Comment: RYR1: BS2

All of Us Research Program, National Institutes of Health
Classification: Likely benign for Malignant hyperthermia, susceptibility to, 1. Last evaluated: 2024-02-05. Review status: criteria provided, single submitter. Criteria: ACMG Guidelines, 2015. Collection method: clinical testing. Allele origin: germline. Inheritance: Autosomal dominant inheritance. Observed: 38 variant alleles, 38 heterozygotes.
Comment: This study involves interpretation of variants in research participants for the purpose of population health screening. Participant phenotype was not available at the time of variant classification. Additional details can be found in publication PMID: 35346344, PMCID: PMC8962531

Revvity Omics, Revvity
Classification: Uncertain significance. Last evaluated: 2023-08-14. Review status: criteria provided, single submitter. Criteria: ACMG Guidelines, 2015. Collection method: clinical testing. Allele origin: germline.

Color Diagnostics, LLC DBA Color Health
Classification: Likely benign for Malignant hyperthermia, susceptibility to, 1. Last evaluated: 2022-08-04. Review status: criteria provided, single submitter. Criteria: ACMG Guidelines, 2015. Collection method: clinical testing. Allele origin: germline.

GeneDx
Classification: Likely benign. Last evaluated: 2019-11-12. Review status: criteria provided, single submitter. Criteria: GeneDx Variant Classification Process June 2021. Collection method: clinical testing. Allele origin: germline. Affected: yes.
Comment: This variant is associated with the following publications: (PMID: 27663056, 22734812)

Illumina Laboratory Services, Illumina
Classification: Likely benign for Malignant hyperthermia, susceptibility to, 1. Last evaluated: 2017-04-28. Review status: criteria provided, single submitter. Criteria: ICSL Variant Classification Criteria 13 December 2019. Collection method: clinical testing. Allele origin: germline.
Comment: This variant was observed as part of a predisposition screen in an ostensibly healthy population. A literature search was performed for the gene, cDNA change, and amino acid change (where applicable). No publications were found based on this search. Allele frequency data from public databases allowed determination this variant is unlikely to cause disease. Therefore, this variant is classified as likely benign.

Illumina Laboratory Services, Illumina
Classification: Likely benign for Central core myopathy. Last evaluated: 2017-04-28. Review status: criteria provided, single submitter. Criteria: ICSL Variant Classification Criteria 13 December 2019. Collection method: clinical testing. Allele origin: germline.
Comment: the same text as in the submission from Illumina Laboratory Services, Illumina above.

Illumina Laboratory Services, Illumina
Classification: Likely benign for Congenital multicore myopathy with external ophthalmoplegia. Last evaluated: 2017-04-28. Review status: criteria provided, single submitter. Criteria: ICSL Variant Classification Criteria 13 December 2019. Collection method: clinical testing. Allele origin: germline.
Comment: This variant was observed as part of a predisposition screen in an ostensibly healthy population. A literature search was performed for the gene, cDNA change, and amino acid change (where applicable). Publications were found based on this search. The evidence from the literature, in combination with allele frequency data from public databases where available, was sufficient to determine this variant is unlikely to cause disease. Therefore, this variant is classified as likely benign.

PreventionGenetics, part of Exact Sciences
Classification: Likely benign for RYR1-related condition. Last evaluated: 2023-12-14. Review status: no assertion criteria provided. Collection method: clinical testing. Allele origin: germline. Not counted in ClinVar's aggregate classification.
Comment: This variant is classified as likely benign based on ACMG/AMP sequence variant interpretation guidelines (Richards et al. 2015 PMID: 25741868, with internal and published modifications).

Literature cited by the submitters: PubMed 22734812 (cited by Illumina Laboratory Services, Illumina).

NM_000540.3(RYR1):c.2545G>A (p.Asp849Asn)

Gene: RYR1 (ryanodine receptor 1; plus strand). Cytogenetic location: 19q13.2.
Variant type: single nucleotide variant.
Coding change: c.2545G>A on transcript NM_000540.3 (MANE Select); coding-DNA position 2545, G replaced by A.
Protein change: p.Asp849Asn; replaces aspartic acid 849 with asparagine.
Molecular consequence: missense variant.
Genome position (GRCh38, 1-based): chr19:38,460,559, G>A. VCF-style: chr19-38460559-G-A. GRCh37 (hg19) VCF-style: chr19-38951199-G-A.
Other names: c.2545G>A, p.Asp849Asn (NM_001042723.2); short protein forms D849N.
Identifiers: ClinVar variation 328997 (VCV000328997.50), dbSNP rs200893443, ClinGen allele CA063415.